The following is an entry in ClinVar:

ClinVar aggregate classification (germline): Likely benign. Review status: criteria provided, multiple submitters, no conflicts (2 of 4 stars). 2 submissions from 2 submitters: Likely benign (2). Last evaluated 2025-01-25.

Allele frequency attached by ClinVar (database versions not stated): ExAC 0.00001; gnomAD 0.00001.
gnomAD v4.1: 2 of 1,612,040 alleles (0.00012%); highest among the groups gnomAD compares: African/African-American, 0.0027%; no homozygotes.

Submissions (2):

Labcorp Genetics (formerly Invitae), Labcorp
Classification: Likely benign. Last evaluated: 2025-01-25. Review status: criteria provided, single submitter. Criteria: Invitae Variant Classification Sherloc (09022015). Collection method: clinical testing. Allele origin: germline.

GeneDx
Classification: Likely benign. Last evaluated: 2017-08-18. Review status: criteria provided, single submitter. Criteria: GeneDx Variant Classification (06012015). Collection method: clinical testing. Allele origin: germline. Affected: yes.
Comment: This variant is considered likely benign or benign based on one or more of the following criteria: it is a conservative change, it occurs at a poorly conserved position in the protein, it is predicted to be benign by multiple in silico algorithms, and/or has population frequency not consistent with disease.

NM_006231.4(POLE):c.4952+16T>C

Gene: POLE (DNA polymerase epsilon, catalytic subunit; minus strand). Cytogenetic location: 12q24.33.
Variant type: single nucleotide variant.
Coding change: c.4952+16T>C on transcript NM_006231.4 (MANE Select); 16 bases into the intron after coding-DNA position 4952, T replaced by C.
Molecular consequence: intron variant.
Genome position (GRCh38, 1-based): chr12:132,642,490, A>G on the plus strand (T>C on the coding strand, the complement: POLE is on the minus strand). VCF-style: chr12-132642490-A-G. GRCh37 (hg19) VCF-style: chr12-133219076-A-G.
Identifiers: ClinVar variation 511457 (VCV000511457.5), dbSNP rs755998543, ClinGen allele CA6892673.
Genomic context (GRCh38, chr12:132,642,490, plus strand): 5'-ATCGCCGGGTCACAGAGACCACCGAGGCCGGCTCTGCCTGGGGACCACTGGCCCACAACG[A>G]CAGTACTGTGCTCACCTGCTCATCTCGAAGGCCTGCGACAGGCAGGTGTCCAGGTTGAGG-3'